The following is an entry in ClinVar:

NM_031407.7(HUWE1):c.494A>T (p.His165Leu)

Gene: HUWE1 (HECT, UBA and WWE domain containing E3 ubiquitin protein ligase 1; minus strand). Cytogenetic location: Xp11.22.
Variant type: single nucleotide variant.
Coding change: c.494A>T on transcript NM_031407.7 (MANE Select); coding-DNA position 494, A replaced by T.
Protein change: p.His165Leu; replaces histidine 165 with leucine.
Molecular consequence: missense variant.
Genome position (GRCh38, 1-based): chrX:53,645,321, T>A on the plus strand (A>T on the coding strand, the complement: HUWE1 is on the minus strand). VCF-style: chrX-53645321-T-A. GRCh37 (hg19) VCF-style: chrX-53672273-T-A.
Other names: short protein forms H165L.
Identifiers: ClinVar variation 3365910 (VCV003365910.1).
Genomic context (GRCh38, chrX:53,645,321, plus strand): 5'-ACCATATGCTCCAATTTTTGCACCCCTCCAACTCTTCACCCAAGACTCACCTCTGCCAAA[T>A]GTTGTAGCCGAGTTAGCAGCGGGGTCCTCTTGTCAGATCCCAGACGAGTGATGTAGTTTG-3'
Protein context (NP_113584.3, residues 155-175): KRTPLLTRLQ[His165Leu]LAESWGGKEN

ClinVar aggregate classification (germline): Uncertain significance (1 of 4 stars; one submission).

Submission:

GeneDx
Classification: Uncertain significance. Last evaluated: 2023-12-17. Review status: criteria provided, single submitter. Criteria: GeneDx Variant Classification Process June 2021. Collection method: clinical testing. Allele origin: germline. Affected: yes.
Comment: Not observed at significant frequency in large population cohorts (gnomAD); In silico analysis supports that this missense variant has a deleterious effect on protein structure/function; Has not been previously published as pathogenic or benign to our knowledge